The following is an entry in ClinVar:

ClinVar aggregate classification (germline): Uncertain significance. Review status: criteria provided, multiple submitters, no conflicts (2 of 4 stars). 2 submissions from 2 submitters: Uncertain significance (2). Last evaluated 2025-04-13.

Conditions:
Inborn genetic diseases. Identifiers: MedGen C0950123, MeSH D030342.

gnomAD v4.1: 1 of 1,613,812 alleles (0.000062%); highest among the groups gnomAD compares: East Asian, 0.0022%; no homozygotes.

Submissions (2):

Ambry Genetics
Classification: Uncertain significance for Inborn genetic diseases. Last evaluated: 2025-04-13. Review status: criteria provided, single submitter. Criteria: Ambry Variant Classification Scheme 2023. Collection method: clinical testing. Allele origin: germline.

Labcorp Genetics (formerly Invitae), Labcorp
Classification: Uncertain significance. Last evaluated: 2022-04-28. Review status: criteria provided, single submitter. Criteria: Invitae Variant Classification Sherloc (09022015). Collection method: clinical testing. Allele origin: germline.
Comment: In summary, the available evidence is currently insufficient to determine the role of this variant in disease. Therefore, it has been classified as a Variant of Uncertain Significance. Advanced modeling of protein sequence and biophysical properties (such as structural, functional, and spatial information, amino acid conservation, physicochemical variation, residue mobility, and thermodynamic stability) performed at Invitae indicates that this missense variant is not expected to disrupt SLC26A3 protein function. This variant has not been reported in the literature in individuals affected with SLC26A3-related conditions. This variant is not present in population databases (gnomAD no frequency). This sequence change replaces lysine, which is basic and polar, with asparagine, which is neutral and polar, at codon 730 of the SLC26A3 protein (p.Lys730Asn).

NM_000111.3(SLC26A3):c.2190G>C (p.Lys730Asn)

Gene: SLC26A3 (solute carrier family 26 member 3; minus strand). Cytogenetic location: 7q22.3.
Variant type: single nucleotide variant.
Coding change: c.2190G>C on transcript NM_000111.3 (MANE Select); coding-DNA position 2190, G replaced by C.
Protein change: p.Lys730Asn; replaces lysine 730 with asparagine.
Molecular consequence: missense variant.
Genome position (GRCh38, 1-based): chr7:107,767,781, C>G on the plus strand (G>C on the coding strand, the complement: SLC26A3 is on the minus strand). VCF-style: chr7-107767781-C-G. GRCh37 (hg19) VCF-style: chr7-107408226-C-G.
Other names: short protein forms K730N.
Identifiers: ClinVar variation 2414668 (VCV002414668.7), dbSNP rs2535444987, ClinGen allele CA368849533.